The following is an entry in ClinVar:

NM_006949.4(STXBP2):c.1606G>A (p.Val536Met)

Gene: STXBP2 (syntaxin binding protein 2; plus strand). Cytogenetic location: 19p13.2.
Variant type: single nucleotide variant.
Coding change: c.1606G>A on transcript NM_006949.4 (MANE Select); coding-DNA position 1606, G replaced by A.
Protein change: p.Val536Met; replaces valine 536 with methionine.
Molecular consequence: missense variant. On other transcripts: non-coding transcript variant (1).
Genome position (GRCh38, 1-based): chr19:7,647,421, G>A. VCF-style: chr19-7647421-G-A. GRCh37 (hg19) VCF-style: chr19-7712307-G-A.
Other names: c.1597G>A, p.Val533Met (NM_001127396.3); c.1639G>A, p.Val547Met (NM_001272034.2); short protein forms V533M, V536M, V547M.
Identifiers: ClinVar variation 999072 (VCV000999072.8), dbSNP rs374719886, ClinGen allele CA9144277.
Genomic context (GRCh38, chr19:7,647,421, plus strand): 5'-TTCGGTCACTGGCACAAGAACAAGGCTGGCATAGAAGCCCGGGCGGGCCCCCGGCTCATC[G>A]TGTATGTCATGGGCGGTGTGGCCATGTCAGAGATGAGGGCCGCCTACGAGGTGACCAGGG-3'
Protein context (NP_008880.2, residues 526-546): IEARAGPRLI[Val536Met]YVMGGVAMSE

ClinVar aggregate classification (germline): Uncertain significance (1 of 4 stars; one submission).

Conditions:
Familial hemophagocytic lymphohistiocytosis 5. Also called: STXBP2-Related Familial Hemophagocytic Lymphohistiocytosis (STXBP2-fHLH). Identifiers: Orphanet 540, MedGen C2751293, MONDO:0013135, OMIM 613101.

Allele frequency attached by ClinVar (database versions not stated): gnomAD exomes 0.00001 and 0.00002; TOPMed 0.00001; ExAC 0.00002; ESP Exome Variant Server 0.00008.
gnomAD v4.1: 23 of 1,613,614 alleles (0.0014%); highest among the groups gnomAD compares: East Asian, 0.0022%; no homozygotes.

Submission:

Labcorp Genetics (formerly Invitae), Labcorp
Classification: Uncertain significance for Familial hemophagocytic lymphohistiocytosis 5. Last evaluated: 2024-10-25. Review status: criteria provided, single submitter. Criteria: Invitae Variant Classification Sherloc (09022015). Collection method: clinical testing. Allele origin: germline.
Comment: This sequence change replaces valine, which is neutral and non-polar, with methionine, which is neutral and non-polar, at codon 536 of the STXBP2 protein (p.Val536Met). This variant is present in population databases (rs374719886, gnomAD 0.003%). This variant has not been reported in the literature in individuals affected with STXBP2-related conditions. ClinVar contains an entry for this variant (Variation ID: 999072). Invitae Evidence Modeling of protein sequence and biophysical properties (such as structural, functional, and spatial information, amino acid conservation, physicochemical variation, residue mobility, and thermodynamic stability) indicates that this missense variant is not expected to disrupt STXBP2 protein function with a negative predictive value of 95%. In summary, the available evidence is currently insufficient to determine the role of this variant in disease. Therefore, it has been classified as a Variant of Uncertain Significance.